The following is an entry in ClinVar:

ClinVar aggregate classification (germline): Likely benign (1 of 4 stars; one submission).

gnomAD v4.1: 147 of 1,611,958 alleles (0.0091%); highest among the groups gnomAD compares: South Asian, 0.15%; 1 homozygote.

Submission:

CeGaT Center for Human Genetics Tuebingen
Classification: Likely benign. Last evaluated: 2024-11-01. Review status: criteria provided, single submitter. Criteria: CeGaT Center For Human Genetics Tuebingen Variant Classification Criteria Version 2. Collection method: clinical testing. Allele origin: germline. Affected: yes. Observed: 1 variant allele.
Comment: DNAH17: BP4, BP7

NM_173628.4(DNAH17):c.2784C>A (p.Ile928=)

Gene: DNAH17 (dynein axonemal heavy chain 17; minus strand). Cytogenetic location: 17q25.3.
Variant type: single nucleotide variant.
Coding change: c.2784C>A on transcript NM_173628.4 (MANE Select); coding-DNA position 2784, C replaced by A.
Protein change: p.Ile928=; no amino-acid change (isoleucine 928 retained).
Molecular consequence: synonymous variant.
Genome position (GRCh38, 1-based): chr17:78,537,374, G>T on the plus strand (C>A on the coding strand, the complement: DNAH17 is on the minus strand). VCF-style: chr17-78537374-G-T. GRCh37 (hg19) VCF-style: chr17-76533456-G-T.
Identifiers: ClinVar variation 3389140 (VCV003389140.14).